The following is an entry in ClinVar:

NM_002470.4(MYH3):c.941T>G (p.Ile314Ser)

Gene: MYH3 (myosin heavy chain 3; minus strand). Cytogenetic location: 17p13.1.
Variant type: single nucleotide variant.
Coding change: c.941T>G on transcript NM_002470.4 (MANE Select); coding-DNA position 941, T replaced by G.
Protein change: p.Ile314Ser; replaces isoleucine 314 with serine.
Molecular consequence: missense variant.
Genome position (GRCh38, 1-based): chr17:10,645,990, A>C on the plus strand (T>G on the coding strand, the complement: MYH3 is on the minus strand). VCF-style: chr17-10645990-A-C. GRCh37 (hg19) VCF-style: chr17-10549307-A-C.
Other names: short protein forms I314S.
Identifiers: ClinVar variation 2078730 (VCV002078730.4), dbSNP rs555398029, ClinGen allele CA8393123.
Genomic context (GRCh38, chr17:10,645,990, plus strand): 5'-TCTGTAGCCAGCAGCTCCTCTGCATCATCTATGCTGGCCACCAGGATCTCCCCCTGGCTA[A>C]TGAACGGGTAGTCGTAAGGGTTGGTCGTAATAAGCAGCAGCTCTGAAATGACAAATAGTT-3'
Protein context (NP_002461.2, residues 304-324): ITTNPYDYPF[Ile314Ser]SQGEILVASI

ClinVar aggregate classification (germline): Uncertain significance (1 of 4 stars; one submission).

Allele frequency attached by ClinVar (database versions not stated): gnomAD 0.00001; gnomAD exomes 0.00001; TOPMed 0.00001; ExAC 0.00004; 1000 Genomes Project 0.00020; 1000 Genomes Project 30x 0.00031.
gnomAD v4.1: 15 of 1,614,018 alleles (0.00093%); highest among the groups gnomAD compares: East Asian, 0.031%; no homozygotes.

Submission:

Labcorp Genetics (formerly Invitae), Labcorp
Classification: Uncertain significance. Last evaluated: 2025-03-17. Review status: criteria provided, single submitter. Criteria: Invitae Variant Classification Sherloc (09022015). Collection method: clinical testing. Allele origin: germline.
Comment: This sequence change replaces isoleucine, which is neutral and non-polar, with serine, which is neutral and polar, at codon 314 of the MYH3 protein (p.Ile314Ser). This variant is present in population databases (rs555398029, gnomAD 0.05%). This variant has not been reported in the literature in individuals affected with MYH3-related conditions. ClinVar contains an entry for this variant (Variation ID: 2078730). Invitae Evidence Modeling of protein sequence and biophysical properties (such as structural, functional, and spatial information, amino acid conservation, physicochemical variation, residue mobility, and thermodynamic stability) indicates that this missense variant is not expected to disrupt MYH3 protein function with a negative predictive value of 95%. In summary, the available evidence is currently insufficient to determine the role of this variant in disease. Therefore, it has been classified as a Variant of Uncertain Significance.